The following is an entry in ClinVar:

NM_000180.4(GUCY2D):c.2413-6T>C

Gene: GUCY2D (guanylate cyclase 2D, retinal; plus strand). Cytogenetic location: 17p13.1.
Variant type: single nucleotide variant.
Coding change: c.2413-6T>C on transcript NM_000180.4 (MANE Select); 6 bases into the intron before coding-DNA position 2413, T replaced by C.
Molecular consequence: intron variant.
Genome position (GRCh38, 1-based): chr17:8,014,595, T>C. VCF-style: chr17-8014595-T-C. GRCh37 (hg19) VCF-style: chr17-7917913-T-C.
Other names: c.2413-6T>C (NM_000180.3).
Identifiers: ClinVar variation 2923534 (VCV002923534.4), dbSNP rs1054794686, ClinGen allele CA287532864.

ClinVar aggregate classification (germline): Likely benign. Review status: criteria provided, multiple submitters, no conflicts (2 of 4 stars). 2 submissions from 2 submitters: Likely benign (2). Last evaluated 2026-09-02.

Conditions:
GUCY2D-related disorder. Also called: GUCY2D-related condition.
Leber congenital amaurosis 1 (LCA1). Also called: Congenital absence of the rods and cones; Leber's congenital tapetoretinal degeneration; Leber's congenital tapetoretinal dysplasia; RETINAL BLINDNESS, CONGENITAL; AMAUROSIS CONGENITA OF LEBER I. Identifiers: Orphanet 65, MedGen C2931258, MONDO:0008764, OMIM 204000.
Cone-rod dystrophy 6 (CORD6). Also called: Cone dystrophy progressive; RETINAL CONE DYSTROPHY 2. Identifiers: Orphanet 1872, MedGen C1866293, MONDO:0011143, OMIM 601777.

Allele frequency attached by ClinVar (database versions not stated): gnomAD exomes below 0.00001; TOPMed below 0.00001.
gnomAD v4.1: 4 of 1,614,076 alleles (0.00025%); highest among the groups gnomAD compares: East Asian, 0.0022%; no homozygotes.

Submissions (2):

PreventionGenetics, part of Exact Sciences
Classification: Likely benign for GUCY2D-related condition. Last evaluated: 2026-09-02. Review status: criteria provided, single submitter. Criteria: ACMG Guidelines, 2015. Collection method: clinical testing. Allele origin: germline.
Comment: This variant is classified as likely benign based on ACMG/AMP sequence variant interpretation guidelines (Richards et al. 2015 PMID: 25741868, with internal and published modifications).

Labcorp Genetics (formerly Invitae), Labcorp
Classification: Likely benign for Leber congenital amaurosis 1; Cone-rod dystrophy 6. Last evaluated: 2025-08-01. Review status: criteria provided, single submitter. Criteria: Invitae Variant Classification Sherloc (09022015). Collection method: clinical testing. Allele origin: germline.